The following is an entry in ClinVar:

ClinVar aggregate classification (germline): Uncertain significance. Review status: criteria provided, multiple submitters, no conflicts (2 of 4 stars). 2 submissions from 2 submitters: Uncertain significance (2). Last evaluated 2025-02-08.

Conditions:
Colorectal cancer, hereditary nonpolyposis, type 7. Identifiers: Orphanet 144, MedGen C1858380, MONDO:0013725, OMIM 614385.

Allele frequency attached by ClinVar (database versions not stated): gnomAD 0.00001.
gnomAD v4.1: 1 of 1,613,858 alleles (0.000062%); highest among the groups gnomAD compares: South Asian, 0.0011%; no homozygotes.

Submissions (2):

Ambry Genetics
Classification: Uncertain significance. Last evaluated: 2025-02-08. Review status: criteria provided, single submitter. Criteria: Ambry Variant Classification Scheme 2023. Collection method: clinical testing. Allele origin: germline.
Comment: The p.P1101H variant (also known as c.3302C>A), located in coding exon 2 of the MLH3 gene, results from a C to A substitution at nucleotide position 3302. The proline at codon 1101 is replaced by histidine, an amino acid with similar properties. This amino acid position is conserved. In addition, this alteration is predicted to be deleterious by in silico analysis. Since supporting evidence is limited at this time, the clinical significance of this alteration remains unclear.

Labcorp Genetics (formerly Invitae), Labcorp
Classification: Uncertain significance for Colorectal cancer, hereditary nonpolyposis, type 7. Last evaluated: 2024-04-05. Review status: criteria provided, single submitter. Criteria: Invitae Variant Classification Sherloc (09022015). Collection method: clinical testing. Allele origin: germline.
Comment: This sequence change replaces proline, which is neutral and non-polar, with histidine, which is basic and polar, at codon 1101 of the MLH3 protein (p.Pro1101His). This variant is present in population databases (no rsID available, gnomAD 0.0009%). This variant has not been reported in the literature in individuals affected with MLH3-related conditions. ClinVar contains an entry for this variant (Variation ID: 2161956). An algorithm developed to predict the effect of missense changes on protein structure and function (PolyPhen-2) suggests that this variant is likely to be disruptive. In summary, the available evidence is currently insufficient to determine the role of this variant in disease. Therefore, it has been classified as a Variant of Uncertain Significance.

NM_001040108.2(MLH3):c.3302C>A (p.Pro1101His)

Gene: MLH3 (mutL homolog 3; minus strand). Cytogenetic location: 14q24.3.
Variant type: single nucleotide variant.
Coding change: c.3302C>A on transcript NM_001040108.2 (MANE Select); coding-DNA position 3302, C replaced by A.
Protein change: p.Pro1101His; replaces proline 1101 with histidine.
Molecular consequence: missense variant.
Genome position (GRCh38, 1-based): chr14:75,042,456, G>T on the plus strand (C>A on the coding strand, the complement: MLH3 is on the minus strand). VCF-style: chr14-75042456-G-T. GRCh37 (hg19) VCF-style: chr14-75509159-G-T.
Other names: c.3302C>A, p.Pro1101His (NM_014381.3); short protein forms P1101H.
Identifiers: ClinVar variation 2161956 (VCV002161956.7), dbSNP rs1438701197, ClinGen allele CA390432003.